The following is an entry in ClinVar:

ClinVar aggregate classification (germline): Uncertain significance (1 of 4 stars; one submission).

Conditions:
PCNT-related disorder. Also called: PCNT-related condition.

gnomAD v4.1: 4 of 1,614,082 alleles (0.00025%); highest among the groups gnomAD compares: African/African-American, 0.0027%; no homozygotes.

Submission:

PreventionGenetics, part of Exact Sciences
Classification: Uncertain significance for PCNT-related condition. Last evaluated: 2024-11-06. Review status: criteria provided, single submitter. Criteria: ACMG Guidelines, 2015. Collection method: clinical testing. Allele origin: germline.
Comment: The PCNT c.8486A>C variant is predicted to result in the amino acid substitution p.His2829Pro. To our knowledge, this variant has not been reported in the literature. This variant is reported in 0.0062% of alleles in individuals of African descent in gnomAD. At this time, the clinical significance of this variant is uncertain due to the absence of conclusive functional and genetic evidence.

NM_006031.6(PCNT):c.8486A>C (p.His2829Pro)

Gene: PCNT (pericentrin; plus strand). Cytogenetic location: 21q22.3.
Variant type: single nucleotide variant.
Coding change: c.8486A>C on transcript NM_006031.6 (MANE Select); coding-DNA position 8486, A replaced by C.
Protein change: p.His2829Pro; replaces histidine 2829 with proline.
Molecular consequence: missense variant.
Genome position (GRCh38, 1-based): chr21:46,431,950, A>C. VCF-style: chr21-46431950-A-C. GRCh37 (hg19) VCF-style: chr21-47851864-A-C.
Other names: c.8132A>C, p.His2711Pro (NM_001315529.2); short protein forms H2711P, H2829P.
Identifiers: ClinVar variation 4981365 (VCV004981365.1).